The following is an entry in ClinVar:

ClinVar aggregate classification (germline): Pathogenic. Review status: criteria provided, single submitter (1 of 4 stars). 2 submissions from 2 submitters: Pathogenic (1). 1 of the submissions does not count toward it. Last evaluated 2021-05-06.

Conditions:
CHARGE syndrome (CHARGE). Also called: Hittner Hirsch Kreh syndrome; CHARGE ASSOCIATION--COLOBOMA, HEART ANOMALY, CHOANAL ATRESIA, RETARDATION, GENITAL AND EAR ANOMALIES; Coloboma, heart anomaly, choanal atresia, retardation, genital and ear anomalies; CHARGE association; Hall-Hittner syndrome. Identifiers: Orphanet 138, MedGen C0265354, MONDO:0008965.

Submissions (2):

Victorian Clinical Genetics Services, Murdoch Childrens Research Institute
Classification: Pathogenic for CHD7-related CHARGE syndrome. Last evaluated: 2021-05-06. Review status: criteria provided, single submitter. Criteria: ACMG Guidelines, 2015. Collection method: clinical testing. Allele origin: germline. Inheritance: Autosomal dominant inheritance. Affected: yes.
Comment: Based on the classification scheme VCGS_Germline_v1.3.4, this variant is classified as Pathogenic. Following criteria are met: 0102 - Loss of function is a known mechanism of disease in this gene and is associated with CHARGE syndrome (MIM#214800) and hypogonadotropic hypogonadism 5 with or without anosmia (MIM#612370). (I) 0107 - This gene is associated with autosomal dominant disease. (I) 0201 - Variant is predicted to cause nonsense-mediated decay (NMD) and loss of protein (premature termination codon is located at least 54 nucleotides upstream of the final exon-exon junction). (SP) 0251 - This variant is heterozygous. (I) 0301 - Variant is absent from gnomAD (both v2 and v3). (SP) 0701 - Other NMD-predicted variants comparable to the one identified in this case have very strong previous evidence for pathogenicity. Frameshift and nonsense variants predicted to result in NMD are frequently reported as pathogenic in affected individuals (ClinVar, PMID:22461308). (SP) 0803 - This variant has limited previous evidence of pathogenicity in an unrelated individuals. An infant with clinically-diagnosed CHARGE syndrome and hypoglycaemia was reported in the literature with this variant (PMID:29355723). (SP) 0905 - No published segregation evidence has been identified for this variant. (I) 1007 - No published functional evidence has been identified for this variant. (I) 1102 - Strong phenotype match for this individual. (SP) 1208 - Inheritance information for this variant is not currently available in this individual. (I) Legend: (SP) - Supporting pathogenic, (I) - Information, (SB) - Supporting benign

Fukami Lab, Dept of Molecular Endocrinology, National Research Institute for Child Health and Development
Classification: Pathogenic for CHD7-related CHARGE syndrome. Last evaluated: 2017-10-03. Review status: no assertion criteria provided. Collection method: clinical testing. Allele origin: germline. Affected: yes. Observed: 1 variant allele. Not counted in ClinVar's aggregate classification.

Literature cited by the submitters: PubMed 22461308 (cited by Victorian Clinical Genetics Services, Murdoch Childrens Research Institute); PubMed 29355723 (cited by Victorian Clinical Genetics Services, Murdoch Childrens Research Institute).

NM_017780.4(CHD7):c.2990del (p.Leu997fs)

Gene: CHD7 (chromodomain helicase DNA binding protein 7; plus strand). Cytogenetic location: 8q12.2.
Variant type: Deletion.
Coding change: c.2990del on transcript NM_017780.4 (MANE Select); coding-DNA position 2990, one base deleted (T; older notation c.2990delT).
Protein change: p.Leu997fs; shifts the reading frame from leucine 997.
Molecular consequence: frameshift variant. On other transcripts: intron variant (1).
Genome position (GRCh38, 1-based): chr8:60,822,535, T deleted; the last of 3 consecutive T bases (chr8:60,822,533-60,822,535); deleting any one gives the same sequence. VCF-style (leftmost placement, unchanged base first): chr8-60822532-GT-G. GRCh37 (hg19) VCF-style: chr8-61735091-GT-G.
Other names: c.1717-39694del (NM_001316690.1); short protein forms L997fs.
Identifiers: ClinVar variation 441170 (VCV000441170.3), dbSNP rs1554597677, ClinGen allele CA658797099.